The following is an entry in ClinVar:

ClinVar aggregate classification (germline): Benign/Likely benign. Review status: criteria provided, multiple submitters, no conflicts (2 of 4 stars). 5 submissions from 4 submitters: Benign (2); Likely benign (3). Last evaluated 2026-01-05.

Conditions:
Brain small vessel disease 1 with or without ocular anomalies (BSVD1). Also called: PORENCEPHALY, TYPE 1, AUTOSOMAL DOMINANT; Brain small vessel disease with or without ocular anomalies; GOULD SYNDROME 1; BRAIN SMALL VESSEL DISEASE WITH HEMORRHAGE. Identifiers: Orphanet 2940, Orphanet 36383, Orphanet 99810, MedGen C4755307, MONDO:0008289, OMIM 175780.
Autosomal dominant familial hematuria-retinal arteriolar tortuosity-contractures syndrome. Also called: Hereditary Angiopathy with Nephropathy, Aneurysms, and Muscle Cramps (HANAC) Syndrome; Angiopathy, hereditary, with nephropathy, aneurysms, and muscle cramps. Identifiers: Orphanet 73229, MedGen C2673195, MONDO:0012726, OMIM 611773.
Microangiopathy and leukoencephalopathy, pontine, autosomal dominant. Also called: DEMENTIA, HEREDITARY MULTI-INFARCT, SWEDISH TYPE; Pontine autosomal dominant microangiopathy with leukoencephalopathy. Identifiers: Orphanet 477749, MedGen C5231411, MONDO:0032814, OMIM 618564.
Hemorrhage, intracerebral, susceptibility to (ICH). Also called: Stroke, hemorrhagic, susceptibility to. Identifiers: MedGen C3281105, MONDO:0100533, OMIM 614519.
Retinal arterial tortuosity. Also called: RETINAL HEMORRHAGE WITH VASCULAR TORTUOSITY; Retinal arteries, tortuosity of. Identifiers: Orphanet 75326, MedGen C0423401, MONDO:0008373, OMIM 180000, HP:0000631.

Allele frequency attached by ClinVar (database versions not stated): 1000 Genomes Project 30x 0.00016; gnomAD 0.00019 and 0.00020; 1000 Genomes Project 0.00020; ESP Exome Variant Server 0.00031; TOPMed 0.00032; gnomAD exomes 0.00036 and 0.00045; ExAC 0.00038.
gnomAD v4.1: 678 of 1,603,214 alleles (0.042%); highest among the groups gnomAD compares: Admixed American, 0.062%; no homozygotes.

Submissions (5):

Labcorp Genetics (formerly Invitae), Labcorp
Classification: Likely benign. Last evaluated: 2026-01-05. Review status: criteria provided, single submitter. Criteria: Invitae Variant Classification Sherloc (09022015). Collection method: clinical testing. Allele origin: germline.

Blueprint Genetics
Classification: Likely benign. Last evaluated: 2024-04-17. Review status: criteria provided, single submitter. Criteria: ACMG Guidelines, 2015. Collection method: clinical testing. Allele origin: germline.

Fulgent Genetics
Classification: Likely benign for Brain small vessel disease 1 with or without ocular anomalies; Retinal arterial tortuosity; Autosomal dominant familial hematuria-retinal arteriolar tortuosity-contractures syndrome; Hemorrhage, intracerebral, susceptibility to; Microangiopathy and leukoencephalopathy, pontine, autosomal dominant. Last evaluated: 2021-08-24. Review status: criteria provided, single submitter. Criteria: ACMG Guidelines, 2015. Collection method: clinical testing. Allele origin: unknown.

Illumina Laboratory Services, Illumina
Classification: Benign for Autosomal dominant familial hematuria-retinal arteriolar tortuosity-contractures syndrome. Last evaluated: 2018-01-12. Review status: criteria provided, single submitter. Criteria: ICSL Variant Classification Criteria 13 December 2019. Collection method: clinical testing. Allele origin: germline.
Comment: This variant was observed in the ICSL laboratory as part of a predisposition screen in an ostensibly healthy population. It had not been previously curated by ICSL or reported in the Human Gene Mutation Database (HGMD: prior to June 1st, 2018), and was therefore a candidate for classification through an automated scoring system. Utilizing variant allele frequency, disease prevalence and penetrance estimates, and inheritance mode, an automated score was calculated to assess if this variant is too frequent to cause the disease. Based on the score and internal cut-off values, a variant classified as benign is not then subjected to further curation. The score for this variant resulted in a classification of benign for this disease.

Illumina Laboratory Services, Illumina
Classification: Benign for Brain small vessel disease 1 with or without ocular anomalies. Last evaluated: 2018-01-12. Review status: criteria provided, single submitter. Criteria: ICSL Variant Classification Criteria 13 December 2019. Collection method: clinical testing. Allele origin: germline.
Comment: the same text as in the submission from Illumina Laboratory Services, Illumina above.

NM_001845.6(COL4A1):c.4250-12C>T

Gene: COL4A1 (collagen type IV alpha 1 chain; minus strand). Cytogenetic location: 13q34.
Variant type: single nucleotide variant.
Coding change: c.4250-12C>T on transcript NM_001845.6 (MANE Select); 12 bases into the intron before coding-DNA position 4250, C replaced by T.
Molecular consequence: intron variant.
Genome position (GRCh38, 1-based): chr13:110,162,454, G>A on the plus strand (C>T on the coding strand, the complement: COL4A1 is on the minus strand). VCF-style: chr13-110162454-G-A. GRCh37 (hg19) VCF-style: chr13-110814801-G-A.
Identifiers: ClinVar variation 311025 (VCV000311025.18), dbSNP rs202055679, ClinGen allele CA7046969.